The following is an entry in ClinVar:

ClinVar aggregate classification (germline): Pathogenic (1 of 4 stars; one submission).

Conditions:
X-linked Alport syndrome (ATS1). Also called: COL4A5-Related Nephropathy; NEPHROPATHY AND DEAFNESS, X-LINKED. Identifiers: Orphanet 63, Orphanet 88917, MedGen C4746986, MONDO:0010520, OMIM 301050.

Submission:

Victorian Clinical Genetics Services, Murdoch Childrens Research Institute
Classification: Pathogenic for X-linked Alport syndrome. Last evaluated: 2024-09-19. Review status: criteria provided, single submitter. Criteria: ACMG Guidelines, 2015. Collection method: clinical testing. Allele origin: germline. Inheritance: X-linked dominant inheritance. Affected: yes.
Comment: Based on the classification scheme VCGS_Germline_v1.3.4, this variant is classified as Pathogenic. Following criteria are met: 0103 - Dominant negative and loss of function are known mechanisms of disease in this gene and are associated with X-linked Alport syndrome 1 (MIM#301050). Dominant negative is caused mostly by glycine substitutions that affect the conformation of the protein, and loss of function can be caused by either protein truncating or missense variants (PMID: 24046192, 12028435). (I) 0110 - This gene is associated with X-linked dominant disease. Males are typically more severely affected than females (PMID: 19965530). (I) 0115 - Variants in this gene are known to have variable expressivity. There is intrafamilial variability among affected carrier females, possibly due to variable X-inactivation (PMID: 14514738). (I) 0210 - Splice site variant proven to affect splicing of the transcript with a known effect on protein sequence. RNA studies performed on a patient sample revealed exon 27 skipping (PMID: 31481700). (SP) 0253 - This variant is hemizygous. (I) 0301 - Variant is absent from gnomAD (both v2 and v3). (SP) 0601 - Variant is located in the well-established functional domain. This variant results in exon 27 skipping which encodes a Gly-X-Y region in the collagen triple helical domain (DECIPHER). (SP) 0803 - This variant has limited previous evidence of pathogenicity in unrelated individuals. This variant has been reported in two individuals with Alport syndrome (PMIDs: 19965530, 25183659). (SP) 0906 - Segregation evidence for this variant is inconclusive. This variant has been identified in an individual with Alport syndrome and their brother whom has end-stage renal failure, no further information is available for this family (PMID: 25183659). (I) 1208 - Inheritance information for this variant is not currently available in this individual. (I) Legend: (SP) - Supporting pathogenic, (I) - Information, (SB) - Supporting benign

Literature cited by the submitters: PubMed 12028435; PubMed 14514738; PubMed 19965530; PubMed 24046192; PubMed 25183659; PubMed 31481700.

NM_033380.3(COL4A5):c.2042-18A>G

Gene: COL4A5 (collagen type IV alpha 5 chain; plus strand). Cytogenetic location: Xq22.3.
Variant type: single nucleotide variant.
Coding change: c.2042-18A>G on transcript NM_033380.3 (MANE Select); 18 bases into the intron before coding-DNA position 2042, A replaced by G.
Molecular consequence: intron variant.
Genome position (GRCh38, 1-based): chrX:108,601,867, A>G. VCF-style: chrX-108601867-A-G. GRCh37 (hg19) VCF-style: chrX-107845097-A-G.
Other names: c.2042-18A>G (NM_000495.5, NM_033380.2).
Identifiers: ClinVar variation 3255205 (VCV003255205.2), dbSNP rs104886341.